The following is an entry in ClinVar:

ClinVar aggregate classification (germline): Conflicting classifications of pathogenicity. Review status: criteria provided, conflicting classifications (1 of 4 stars). 5 submissions from 5 submitters: Uncertain significance (3); Likely benign (1). 1 of the submissions does not count toward it. Last evaluated 2025-02-11.

Conditions:
Hereditary cancer-predisposing syndrome. Also called: Hereditary neoplastic syndrome; Neoplastic Syndromes, Hereditary; Tumor predisposition; Hereditary Cancer Syndrome. Identifiers: Orphanet 140162, MedGen C0027672, MeSH D009386, MONDO:0015356.
Familial cancer of breast. Also called: BREAST CANCER, FAMILIAL; Hereditary breast cancer; hereditary breast carcinoma. Identifiers: Orphanet 227535, MedGen C0346153, MONDO:0016419, OMIM 114480. Disease mechanism: loss of function.
Ataxia-telangiectasia syndrome (AT). Also called: LOUIS-BAR SYNDROME; Cerebello-oculocutaneous telangiectasia; Immunodeficiency with ataxia telangiectasia; AT, COMPLEMENTATION GROUP C; Ataxia-telangiectasia, complementation group D; ATAXIA-TELANGIECTASIA, COMPLEMENTATION GROUP A. Identifiers: Orphanet 100, MedGen C0004135, MONDO:0008840, OMIM 208900.

Allele frequency attached by ClinVar (database versions not stated): gnomAD exomes below 0.00001.
gnomAD v4.1: 2 of 1,613,100 alleles (0.00012%); highest among the groups gnomAD compares: Non-Finnish European, 0.00017%; no homozygotes.

Submissions (5):

Ambry Genetics
Classification: Likely benign for Hereditary cancer-predisposing syndrome. Last evaluated: 2025-02-11. Review status: criteria provided, single submitter. Criteria: Ambry Variant Classification Scheme 2023. Collection method: clinical testing. Allele origin: germline.

Labcorp Genetics (formerly Invitae), Labcorp
Classification: Uncertain significance for Ataxia-telangiectasia syndrome. Last evaluated: 2024-10-29. Review status: criteria provided, single submitter. Criteria: Invitae Variant Classification Sherloc (09022015). Collection method: clinical testing. Allele origin: germline.
Comment: This sequence change replaces threonine, which is neutral and polar, with isoleucine, which is neutral and non-polar, at codon 195 of the ATM protein (p.Thr195Ile). This variant is present in population databases (no rsID available, gnomAD 0.0009%). This variant has not been reported in the literature in individuals affected with ATM-related conditions. ClinVar contains an entry for this variant (Variation ID: 481304). Invitae Evidence Modeling of protein sequence and biophysical properties (such as structural, functional, and spatial information, amino acid conservation, physicochemical variation, residue mobility, and thermodynamic stability) indicates that this missense variant is not expected to disrupt ATM protein function with a negative predictive value of 95%. In summary, the available evidence is currently insufficient to determine the role of this variant in disease. Therefore, it has been classified as a Variant of Uncertain Significance.

Baylor Genetics
Classification: Uncertain significance for Familial cancer of breast. Last evaluated: 2023-12-28. Review status: criteria provided, single submitter. Criteria: ACMG Guidelines, 2015. Collection method: clinical testing. Allele origin: unknown.

GeneDx
Classification: Uncertain significance. Last evaluated: 2022-01-28. Review status: criteria provided, single submitter. Criteria: GeneDx Variant Classification Process June 2021. Collection method: clinical testing. Allele origin: germline. Affected: yes.
Comment: Not observed at significant frequency in large population cohorts (gnomAD); In silico analysis supports that this missense variant does not alter protein structure/function; Has not been previously published as pathogenic or benign to our knowledge

Natera, Inc.
Classification: Uncertain significance for Ataxia-telangiectasia. Last evaluated: 2021-04-23. Review status: no assertion criteria provided. Collection method: clinical testing. Allele origin: germline. Not counted in ClinVar's aggregate classification.

Literature cited by the submitters: PubMed 33471991 (cited by Ambry Genetics).

NM_000051.4(ATM):c.584C>T (p.Thr195Ile)

Gene: ATM (ATM serine/threonine kinase; plus strand). Cytogenetic location: 11q22.3.
Variant type: single nucleotide variant.
Coding change: c.584C>T on transcript NM_000051.4 (MANE Select); coding-DNA position 584, C replaced by T.
Protein change: p.Thr195Ile; replaces threonine 195 with isoleucine.
Molecular consequence: missense variant.
Genome position (GRCh38, 1-based): chr11:108,244,040, C>T. VCF-style: chr11-108244040-C-T. GRCh37 (hg19) VCF-style: chr11-108114767-C-T.
Other names: c.584C>T, p.Thr195Ile (NM_001351834.2); short protein forms T195I.
Identifiers: ClinVar variation 481304 (VCV000481304.15), dbSNP rs1196611507, ClinGen allele CA382527950.